The following is an entry in ClinVar:

ClinVar aggregate classification (germline): Pathogenic (1 of 4 stars; one submission).

Submission:

ISCA Site 6
Classification: Pathogenic. Last evaluated: 2011-08-12. Review status: criteria provided, single submitter. Criteria: Kaminsky et al. (Genet Med. 2011). Collection method: clinical testing. Allele origin: unknown. Affected: yes. Observed: 1 variant allele.
Comment: Copy number variation identified through the course of routine clinical cytogenomic testing in postnatal populations. Clinical assertions have been curated as described in Kaminsky et al. 2011.

GRCh38/hg38 1q21.1-21.2(chr1:145601946-146944906)x3

Genes: ANKRD34A (ankyrin repeat domain 34A; minus strand), ANKRD35 (ankyrin repeat domain 35; minus strand), ANKRD35-DT (ANKRD35 divergent transcript; plus strand), CD160 (CD160 molecule; plus strand), CH17-408M7.1 (uncharacterized LOC102724558; plus strand) and 59 more. Cytogenetic location: 1q21.1-21.2.
Variant type: copy number gain.
Change: copy number 3 (three copies instead of two) of chr1:145,601,946-146,944,906 (1.34 Mb, GRCh38 coordinates, 1-based), cytogenetic band 1q21.1-21.2.
Identifiers: ClinVar variation 59352 (VCV000059352.2).